The following is an entry in ClinVar:

ClinVar aggregate classification (germline): Likely benign (1 of 4 stars; one submission).

gnomAD v4.1: 1 of 1,614,114 alleles (0.000062%); highest among the groups gnomAD compares: Non-Finnish European, 0.000085%; no homozygotes.

Submission:

CeGaT Center for Human Genetics Tuebingen
Classification: Likely benign. Last evaluated: 2025-11-01. Review status: criteria provided, single submitter. Criteria: CeGaT Center For Human Genetics Tuebingen Variant Classification Criteria Version 2. Collection method: clinical testing. Allele origin: germline. Affected: yes. Observed: 1 variant allele.
Comment: CYLD: BP4, BP7

NM_001378743.1(CYLD):c.1458G>A (p.Gly486=)

Gene: CYLD (CYLD lysine 63 deubiquitinase; plus strand). Cytogenetic location: 16q12.1.
Variant type: single nucleotide variant.
Coding change: c.1458G>A on transcript NM_001378743.1 (MANE Select); coding-DNA position 1458, G replaced by A.
Protein change: p.Gly486=; no amino-acid change (glycine 486 retained).
Molecular consequence: synonymous variant. On other transcripts: non-coding transcript variant (1).
Genome position (GRCh38, 1-based): chr16:50,779,984, G>A. VCF-style: chr16-50779984-G-A. GRCh37 (hg19) VCF-style: chr16-50813895-G-A.
Other names: c.1449G>A, p.Gly483= (NM_001042355.2, NM_001042412.3, NM_001378744.1 and 6 more transcripts); c.1419G>A, p.Gly473= (NM_001378751.1, NM_001378752.1, NM_001378753.1); c.783G>A, p.Gly261= (NM_001378754.1, NM_001378755.1); c.1458G>A, p.Gly486= (NM_015247.3).
Identifiers: ClinVar variation 4534701 (VCV004534701.6).